The following is an entry in ClinVar:

ClinVar aggregate classification (germline): Uncertain significance. Review status: criteria provided, multiple submitters, no conflicts (2 of 4 stars). 2 submissions from 2 submitters: Uncertain significance (2). Last evaluated 2024-06-05.

gnomAD v4.1: 47 of 1,613,938 alleles (0.0029%); highest among the groups gnomAD compares: African/African-American, 0.035%; no homozygotes.

Submissions (2):

GeneDx
Classification: Uncertain significance. Last evaluated: 2024-06-05. Review status: criteria provided, single submitter. Criteria: GeneDx Variant Classification Process June 2021. Collection method: clinical testing. Allele origin: germline. Affected: yes.
Comment: In silico analysis indicates that this missense variant does not alter protein structure/function; Has not been previously published as pathogenic or benign to our knowledge

Blueprint Genetics
Classification: Uncertain significance. Last evaluated: 2023-09-01. Review status: criteria provided, single submitter. Criteria: ACMG Guidelines, 2015. Collection method: clinical testing. Allele origin: germline.

NM_004568.6(SERPINB6):c.13G>A (p.Ala5Thr)

Gene: SERPINB6 (serpin family B member 6; minus strand). Cytogenetic location: 6p25.2.
Variant type: single nucleotide variant.
Coding change: c.13G>A on transcript NM_004568.6 (MANE Select); coding-DNA position 13, G replaced by A.
Protein change: p.Ala5Thr; replaces alanine 5 with threonine.
Molecular consequence: missense variant. On other transcripts: non-coding transcript variant (1), intron variant (1).
Genome position (GRCh38, 1-based): chr6:2,959,320, C>T on the plus strand (G>A on the coding strand, the complement: SERPINB6 is on the minus strand). VCF-style: chr6-2959320-C-T. GRCh37 (hg19) VCF-style: chr6-2959554-C-T.
Other names: c.25G>A, p.Ala9Thr (NM_001195291.3, NM_001374515.1); c.55G>A, p.Ala19Thr (NM_001271822.2); c.70G>A, p.Ala24Thr (NM_001271823.2); c.13G>A, p.Ala5Thr (NM_001271824.2, NM_001271825.2, NM_001297699.2 and 2 more transcripts); c.34-3650G>A (NM_001374517.1); short protein forms A19T, A24T, A5T, A9T.
Identifiers: ClinVar variation 3384438 (VCV003384438.2).